The following is an entry in ClinVar:

NM_001303.4(COX10):c.921C>T (p.Leu307=)

Genes: COX10 (cytochrome c oxidase assembly factor heme A:farnesyltransferase COX10; plus strand), LOC105943586 (distal CMT1A-REP; plus strand). Cytogenetic location: 17p12.
Variant type: single nucleotide variant.
Coding change: c.921C>T on transcript NM_001303.4 (MANE Select); coding-DNA position 921, C replaced by T.
Protein change: p.Leu307=; no amino-acid change (leucine 307 retained).
Molecular consequence: synonymous variant.
Genome position (GRCh38, 1-based): chr17:14,192,214, C>T. VCF-style: chr17-14192214-C-T. GRCh37 (hg19) VCF-style: chr17-14095531-C-T.
Identifiers: ClinVar variation 3250786 (VCV003250786.18), dbSNP rs760998079.

ClinVar aggregate classification (germline): Likely benign (1 of 4 stars; one submission).

Allele frequency attached by ClinVar (database versions not stated): ExAC 0.00002; gnomAD 0.00012.
gnomAD v4.1: 48 of 1,614,108 alleles (0.003%); highest among the groups gnomAD compares: African/African-American, 0.045%; no homozygotes.

Submission:

CeGaT Center for Human Genetics Tuebingen
Classification: Likely benign. Last evaluated: 2024-06-01. Review status: criteria provided, single submitter. Criteria: CeGaT Center For Human Genetics Tuebingen Variant Classification Criteria Version 2. Collection method: clinical testing. Allele origin: germline. Affected: yes. Observed: 1 variant allele.
Comment: COX10: BP4, BP7